The following is an entry in ClinVar:

ClinVar aggregate classification (germline): Uncertain significance (1 of 4 stars; one submission).

Allele frequency attached by ClinVar (database versions not stated): gnomAD exomes below 0.00001.
gnomAD v4.1: 2 of 1,511,046 alleles (0.00013%); highest among the groups gnomAD compares: Admixed American, 0.0023%; no homozygotes.

Submission:

Labcorp Genetics (formerly Invitae), Labcorp
Classification: Uncertain significance. Last evaluated: 2022-01-13. Review status: criteria provided, single submitter. Criteria: Invitae Variant Classification Sherloc (09022015). Collection method: clinical testing. Allele origin: germline.
Comment: This sequence change replaces histidine, which is basic and polar, with arginine, which is basic and polar, at codon 202 of the KPNA7 protein (p.His202Arg). This variant is not present in population databases (gnomAD no frequency). This variant has not been reported in the literature in individuals affected with KPNA7-related conditions. Algorithms developed to predict the effect of missense changes on protein structure and function output the following: SIFT: "Tolerated"; PolyPhen-2: "Benign"; Align-GVGD: "Class C0". The arginine amino acid residue is found in multiple mammalian species, which suggests that this missense change does not adversely affect protein function. In summary, the available evidence is currently insufficient to determine the role of this variant in disease. Therefore, it has been classified as a Variant of Uncertain Significance.

NM_001145715.3(KPNA7):c.605A>G (p.His202Arg)

Gene: KPNA7 (karyopherin subunit alpha 7; minus strand). Cytogenetic location: 7q22.1.
Variant type: single nucleotide variant.
Coding change: c.605A>G on transcript NM_001145715.3 (MANE Select); coding-DNA position 605, A replaced by G.
Protein change: p.His202Arg; replaces histidine 202 with arginine.
Molecular consequence: missense variant.
Genome position (GRCh38, 1-based): chr7:99,193,050, T>C on the plus strand (A>G on the coding strand, the complement: KPNA7 is on the minus strand). VCF-style: chr7-99193050-T-C. GRCh37 (hg19) VCF-style: chr7-98790673-T-C.
Other names: short protein forms H202R.
Identifiers: ClinVar variation 2045735 (VCV002045735.1), dbSNP rs2535503727, ClinGen allele CA368420185.